The following is an entry in ClinVar:

NM_000552.5(VWF):c.2436G>A (p.Pro812=)

Gene: VWF (von Willebrand factor; minus strand). Cytogenetic location: 12p13.31.
Variant type: single nucleotide variant.
Coding change: c.2436G>A on transcript NM_000552.5 (MANE Select); coding-DNA position 2436, G replaced by A.
Protein change: p.Pro812=; no amino-acid change (proline 812 retained).
Molecular consequence: synonymous variant.
Genome position (GRCh38, 1-based): chr12:6,044,297, C>T on the plus strand (G>A on the coding strand, the complement: VWF is on the minus strand). VCF-style: chr12-6044297-C-T. GRCh37 (hg19) VCF-style: chr12-6153463-C-T.
Identifiers: ClinVar variation 4533000 (VCV004533000.1).

ClinVar aggregate classification (germline): Uncertain significance (1 of 4 stars; one submission).

gnomAD v4.1: 23 of 1,613,916 alleles (0.0014%); highest among the groups gnomAD compares: South Asian, 0.02%; no homozygotes.

Submission:

Quest Diagnostics Nichols Institute San Juan Capistrano
Classification: Uncertain significance. Last evaluated: 2025-08-05. Review status: criteria provided, single submitter. Criteria: Quest Diagnostics criteria. Collection method: clinical testing. Allele origin: unknown.
Comment: The VWF c.2436G>A (p.Pro812=) synonymous variant has not been reported in individuals with VWF-related conditions in the published literature. The frequency of this variant in the general population (Genome Aggregation Database) is uninformative in the assessment of its pathogenicity. Analysis of this variant using software algorithms for the prediction of the effect of nucleotide changes on VWF mRNA splicing yielded predictions that this variant may result in the gain of a cryptic splice site without affecting the natural splice sites. Based on the available information, we are unable to determine the clinical significance of this variant.